The following is an entry in ClinVar:

NM_002180.3(IGHMBP2):c.121del (p.Gln41fs)

Gene: IGHMBP2 (immunoglobulin mu DNA binding protein 2; plus strand). Cytogenetic location: 11q13.3.
Variant type: Deletion.
Coding change: c.121del on transcript NM_002180.3 (MANE Select); coding-DNA position 121, one base deleted (C; older notation c.121delC).
Protein change: p.Gln41fs; shifts the reading frame from glutamine 41.
Molecular consequence: frameshift variant.
Genome position (GRCh38, 1-based): chr11:68,906,103, C deleted; the last of 2 consecutive C bases (chr11:68,906,102-68,906,103); deleting either gives the same sequence. VCF-style (leftmost placement, unchanged base first): chr11-68906101-TC-T. GRCh37 (hg19) VCF-style: chr11-68673569-TC-T.
Other names: short protein forms Q41fs.
Identifiers: ClinVar variation 637901 (VCV000637901.6), dbSNP rs1332319177, ClinGen allele CA599988101.

ClinVar aggregate classification (germline): Pathogenic. Review status: criteria provided, single submitter (1 of 4 stars). 2 submissions from 2 submitters: Pathogenic (1). 1 of the submissions does not count toward it. Last evaluated 2025-02-27.

Conditions:
Distal spinal muscular atrophy. Also called: Distal hereditary motor neuropathy; Distal hereditary motor neuronopathy. Identifiers: Orphanet 53739, MedGen C0393541, MONDO:0018894.
Charcot-Marie-Tooth disease axonal type 2S. Also called: CHARCOT-MARIE-TOOTH NEUROPATHY, TYPE 2S; CHARCOT-MARIE-TOOTH DISEASE, AXONAL, AUTOSOMAL RECESSIVE, TYPE 2S. Identifiers: Orphanet 443073, MedGen C4015349, MONDO:0014511, OMIM 616155.
Autosomal recessive distal spinal muscular atrophy 1. Also called: HMN VI; NEURONOPATHY, SEVERE INFANTILE AXONAL, WITH RESPIRATORY FAILURE; Spinal muscular atrophy with respiratory distress 1; NEURONOPATHY, DISTAL HEREDITARY MOTOR, HARDING TYPE VI; NEUROPATHY, DISTAL HEREDITARY MOTOR, AUTOSOMAL RECESSIVE 1; SEVERE INFANTILE AXONAL NEUROPATHY WITH RESPIRATORY FAILURE. Identifiers: Orphanet 98920, MedGen C1858517, MONDO:0011436, OMIM 604320.

Submissions (2):

Labcorp Genetics (formerly Invitae), Labcorp
Classification: Pathogenic for Autosomal recessive distal spinal muscular atrophy 1; Charcot-Marie-Tooth disease axonal type 2S. Last evaluated: 2025-02-27. Review status: criteria provided, single submitter. Criteria: Invitae Variant Classification Sherloc (09022015). Collection method: clinical testing. Allele origin: germline.
Comment: This sequence change creates a premature translational stop signal (p.Gln41Argfs*8) in the IGHMBP2 gene. It is expected to result in an absent or disrupted protein product. Loss-of-function variants in IGHMBP2 are known to be pathogenic (PMID: 14681881, 25439726, 25568292). This variant is present in population databases (no rsID available, gnomAD 0.0009%). This premature translational stop signal has been observed in individual(s) with IGHMBP2-related conditions (PMID: 14681881). ClinVar contains an entry for this variant (Variation ID: 637901). For these reasons, this variant has been classified as Pathogenic.

Inherited Neuropathy Consortium
Classification: Uncertain significance for Distal spinal muscular atrophy. Review status: no assertion criteria provided. Collection method: literature only. Allele origin: germline. Affected: yes. Not counted in ClinVar's aggregate classification.

Literature cited by the submitters: PubMed 14681881 (cited by Labcorp Genetics (formerly Invitae), Labcorp); PubMed 25439726 (cited by Labcorp Genetics (formerly Invitae), Labcorp); PubMed 25568292 (cited by Labcorp Genetics (formerly Invitae), Labcorp); PubMed 16964485 (cited by Inherited Neuropathy Consortium).